The following is an entry in ClinVar:

NM_003664.5(AP3B1):c.194G>A (p.Arg65Gln)

Gene: AP3B1 (adaptor related protein complex 3 subunit beta 1; minus strand). Cytogenetic location: 5q14.1.
Variant type: single nucleotide variant.
Coding change: c.194G>A on transcript NM_003664.5 (MANE Select); coding-DNA position 194, G replaced by A.
Protein change: p.Arg65Gln; replaces arginine 65 with glutamine.
Molecular consequence: missense variant.
Genome position (GRCh38, 1-based): chr5:78,267,530, C>T on the plus strand (G>A on the coding strand, the complement: AP3B1 is on the minus strand). VCF-style: chr5-78267530-C-T. GRCh37 (hg19) VCF-style: chr5-77563354-C-T.
Other names: c.47G>A, p.Arg16Gln (NM_001271769.2); short protein forms R65Q, R16Q.
Identifiers: ClinVar variation 951263 (VCV000951263.9), dbSNP rs150651515, ClinGen allele CA3317441.
Genomic context (GRCh38, chr5:78,267,530, plus strand): 5'-CACTGCTTGTCCATTTTTCCAAAATTGAAGTAAATGAGTATTTTACCTACCCCAACAATC[C>T]GCTTCATAGCATCCAGTTTAGCAGAATCTTTGTTGCTCTCTAACATTTGCTTTAGATCTT-3'
Protein context (NP_003655.3, residues 55-75): KDSAKLDAMK[Arg65Gln]IVGMIAKGKN

ClinVar aggregate classification (germline): Uncertain significance (1 of 4 stars; one submission).

Conditions:
Hermansky-Pudlak syndrome 2 (HPS2). Also called: Platelet defects and oculocutaneous albinism. Identifiers: Orphanet 183678, Orphanet 79430, MedGen C1842362, MONDO:0011997, OMIM 608233.

Allele frequency attached by ClinVar (database versions not stated): gnomAD 0.00002 and 0.00003; TOPMed 0.00003; gnomAD exomes 0.00004; ExAC 0.00006; ESP Exome Variant Server 0.00015; 1000 Genomes Project 30x 0.00016; 1000 Genomes Project 0.00020.
gnomAD v4.1: 58 of 1,609,296 alleles (0.0036%); highest among the groups gnomAD compares: Admixed American, 0.005%; no homozygotes.

Submission:

Labcorp Genetics (formerly Invitae), Labcorp
Classification: Uncertain significance for Hermansky-Pudlak syndrome 2. Last evaluated: 2024-10-26. Review status: criteria provided, single submitter. Criteria: Invitae Variant Classification Sherloc (09022015). Collection method: clinical testing. Allele origin: germline.
Comment: This sequence change replaces arginine, which is basic and polar, with glutamine, which is neutral and polar, at codon 65 of the AP3B1 protein (p.Arg65Gln). This variant is present in population databases (rs150651515, gnomAD 0.006%). This variant has not been reported in the literature in individuals affected with AP3B1-related conditions. ClinVar contains an entry for this variant (Variation ID: 951263). An algorithm developed to predict the effect of missense changes on protein structure and function (PolyPhen-2) suggests that this variant is likely to be disruptive. In summary, the available evidence is currently insufficient to determine the role of this variant in disease. Therefore, it has been classified as a Variant of Uncertain Significance.